The following is an entry in ClinVar:

NM_001009944.3(PKD1):c.2808C>T (p.Arg936=)

Gene: PKD1 (polycystin 1, transient receptor potential channel interacting; minus strand). Cytogenetic location: 16p13.3.
Variant type: single nucleotide variant.
Coding change: c.2808C>T on transcript NM_001009944.3 (MANE Select); coding-DNA position 2808, C replaced by T.
Protein change: p.Arg936=; no amino-acid change (arginine 936 retained).
Molecular consequence: synonymous variant.
Genome position (GRCh38, 1-based): chr16:2,114,215, G>A on the plus strand (C>T on the coding strand, the complement: PKD1 is on the minus strand). VCF-style: chr16-2114215-G-A. GRCh37 (hg19) VCF-style: chr16-2164216-G-A.
Other names: c.2808C>T (NM_001009944.2); c.2808C>T, p.Arg936= (NM_000296.4).
Identifiers: ClinVar variation 1256439 (VCV001256439.9), dbSNP rs376075101, ClinGen allele CA7833089.

ClinVar aggregate classification (germline): Benign/Likely benign. Review status: criteria provided, multiple submitters, no conflicts (2 of 4 stars). 6 submissions from 6 submitters: Benign (1); Likely benign (5). Last evaluated 2026-01-01.

Conditions:
PKD1-related disorder. Also called: PKD1-related condition.
Polycystic kidney disease, adult type (PKD1). Also called: Polycystic Kidney Disease 1, Autosomal Dominant; Polycystic kidney disease 1; Polycystic kidney disease 1, severe; POLYCYSTIC KIDNEY DISEASE 1 WITH OR WITHOUT POLYCYSTIC LIVER DISEASE; POLYCYSTIC KIDNEY DISEASE, ADULT, TYPE I; Polycystic Kidney, Autosomal Dominant. Identifiers: MedGen C3149841, MONDO:0008263, OMIM 173900.

Allele frequency attached by ClinVar (database versions not stated): ESP Exome Variant Server 0.00016; gnomAD 0.00023 and 0.00025; TOPMed 0.00025; ExAC 0.00034; gnomAD exomes 0.00034 and 0.00038.
gnomAD v4.1: 588 of 1,609,682 alleles (0.037%); highest among the groups gnomAD compares: South Asian, 0.1%; no homozygotes.

Submissions (6):

CeGaT Center for Human Genetics Tuebingen
Classification: Likely benign. Last evaluated: 2026-01-01. Review status: criteria provided, single submitter. Criteria: CeGaT Center For Human Genetics Tuebingen Variant Classification Criteria Version 2. Collection method: clinical testing. Allele origin: germline. Affected: yes. Observed: 1 variant allele.
Comment: PKD1: BP4, BP7

PreventionGenetics, part of Exact Sciences
Classification: Likely benign for PKD1-related condition. Last evaluated: 2025-07-17. Review status: criteria provided, single submitter. Criteria: ACMG Guidelines, 2015. Collection method: clinical testing. Allele origin: germline.
Comment: This variant is classified as likely benign based on ACMG/AMP sequence variant interpretation guidelines (Richards et al. 2015 PMID: 25741868, with internal and published modifications).

Blueprint Genetics
Classification: Likely benign. Last evaluated: 2024-11-27. Review status: criteria provided, single submitter. Criteria: ACMG Guidelines, 2015. Collection method: clinical testing. Allele origin: germline.

Department of Pathology and Laboratory Medicine, Sinai Health System
Classification: Likely benign for Polycystic kidney disease, adult type. Last evaluated: 2024-07-30. Review status: criteria provided, single submitter. Criteria: ACMG Guidelines, 2015. Collection method: clinical testing. Allele origin: germline.

Fulgent Genetics
Classification: Likely benign for Polycystic kidney disease, adult type. Last evaluated: 2021-10-04. Review status: criteria provided, single submitter. Criteria: ACMG Guidelines, 2015. Collection method: clinical testing. Allele origin: unknown.

Athena Diagnostics
Classification: Benign. Last evaluated: 2021-02-15. Review status: criteria provided, single submitter. Criteria: Athena Diagnostics criteria. Collection method: clinical testing. Allele origin: unknown.